The following is an entry in ClinVar:

NM_018127.7(ELAC2):c.2365_2373dup (p.Arg791_Ala792insGlnValArg)

Gene: ELAC2 (elaC ribonuclease Z 2; minus strand). Cytogenetic location: 17p12.
Variant type: Duplication.
Coding change: c.2365_2373dup on transcript NM_018127.7 (MANE Select); coding-DNA positions 2365 to 2373, 9 bases duplicated (CAGGTGCGG; older notation c.2365_2373dupCAGGTGCGG).
Protein change: p.Arg791_Ala792insGlnValArg.
Molecular consequence: inframe insertion.
Genome position (GRCh38, 1-based): chr17:12,992,926-12,992,934, CCGCACCTG duplicated on the plus strand (CAGGTGCGG on the coding strand, the reverse complement: ELAC2 is on the minus strand); duplicating any 9 consecutive bases within chr17:12,992,926-12,992,939 gives the same sequence; the c. name uses the placement nearest the transcript's 3' end. VCF-style (leftmost placement, unchanged base first): chr17-12992925-C-CCCGCACCTG. GRCh37 (hg19) VCF-style: chr17-12896242-C-CCCGCACCTG.
Other names: c.2245_2253dup, p.Arg751_Ala752insGlnValArg (NM_001165962.2); c.2362_2370dup, p.Arg790_Ala791insGlnValArg (NM_173717.2).
Identifiers: ClinVar variation 2078356 (VCV002078356.2), dbSNP rs926500016, ClinGen allele CA288075022.
Genomic context (GRCh38, chr17:12,992,925, plus strand): 5'-GCTTCTGCTGAGGCTCCCCATCCTCCAGGCCGCCTGCCAGCTCCCTGGACAGGAGGGCCG[C>CCCGCACCTG]CCGCACCTGCCGCAGCTCCCGCTTCTCCCTGCGCTCCTCCATCTCCTCGATGTCGCCAGC-3'

ClinVar aggregate classification (germline): Uncertain significance. Review status: criteria provided, multiple submitters, no conflicts (2 of 4 stars). 2 submissions from 2 submitters: Uncertain significance (2). Last evaluated 2022-07-31.

Conditions:
Inborn genetic diseases. Identifiers: MedGen C0950123, MeSH D030342.
Combined oxidative phosphorylation defect type 17. Also called: Combined oxidative phosphorylation deficiency 17. Identifiers: Orphanet 369913, MedGen C3809526, MONDO:0014190, OMIM 615440.

Submissions (2):

Ambry Genetics
Classification: Uncertain significance for Inborn genetic diseases. Last evaluated: 2022-07-31. Review status: criteria provided, single submitter. Criteria: Ambry Variant Classification Scheme 2023. Collection method: clinical testing. Allele origin: germline.
Comment: The c.2365_2373dupCAGGTGCGG (p.Q789_R791dup) alteration is located in exon 24 (coding exon 24) of the ELAC2 gene. The alteration consists of an in-frame duplication of 9 nucleotides from position 2365 to 2373, resulting in the duplication of <NA> residues. Based on insufficient or conflicting evidence, the clinical significance of this alteration remains unclear.

Labcorp Genetics (formerly Invitae), Labcorp
Classification: Uncertain significance for Combined oxidative phosphorylation defect type 17. Last evaluated: 2022-07-22. Review status: criteria provided, single submitter. Criteria: Invitae Variant Classification Sherloc (09022015). Collection method: clinical testing. Allele origin: germline.
Comment: This variant, c.2365_2373dup, results in the insertion of 3 amino acid(s) of the ELAC2 protein (p.Gln789_Arg791dup), but otherwise preserves the integrity of the reading frame. This variant is present in population databases (no rsID available, gnomAD 0.004%). This variant has not been reported in the literature in individuals affected with ELAC2-related conditions. Algorithms developed to predict the effect of sequence changes on RNA splicing suggest that this variant may create or strengthen a splice site. In summary, the available evidence is currently insufficient to determine the role of this variant in disease. Therefore, it has been classified as a Variant of Uncertain Significance.